The following is an entry in ClinVar:

NM_004304.5(ALK):c.3782G>A (p.Gly1261Asp)

Gene: ALK (ALK receptor tyrosine kinase; minus strand). Cytogenetic location: 2p23.2.
Variant type: single nucleotide variant.
Coding change: c.3782G>A on transcript NM_004304.5 (MANE Select); coding-DNA position 3782, G replaced by A.
Protein change: p.Gly1261Asp; replaces glycine 1261 with aspartic acid.
Molecular consequence: missense variant.
Genome position (GRCh38, 1-based): chr2:29,209,840, C>T on the plus strand (G>A on the coding strand, the complement: ALK is on the minus strand). VCF-style: chr2-29209840-C-T. GRCh37 (hg19) VCF-style: chr2-29432706-C-T.
Other names: c.3782G>A (NM_004304.4); c.578G>A, p.Gly193Asp (NM_001353765.2); short protein forms G1261D, G193D.
Identifiers: ClinVar variation 1479918 (VCV001479918.9), dbSNP rs1669416575, ClinGen allele CA346469725.

ClinVar aggregate classification (germline): Uncertain significance. Review status: criteria provided, multiple submitters, no conflicts (2 of 4 stars). 2 submissions from 2 submitters: Uncertain significance (2). Last evaluated 2025-11-18.

Conditions:
Hereditary cancer-predisposing syndrome. Also called: Hereditary neoplastic syndrome; Tumor predisposition; Neoplastic Syndromes, Hereditary; Hereditary Cancer Syndrome. Identifiers: Orphanet 140162, MedGen C0027672, MeSH D009386, MONDO:0015356.
Neuroblastoma, susceptibility to, 3. Also called: ALK-Related Neuroblastic Tumor Susceptibility. Identifiers: Orphanet 635, MedGen C2751681, MONDO:0013083, OMIM 613014.

Allele frequency attached by ClinVar (database versions not stated): gnomAD exomes below 0.00001; TOPMed below 0.00001.
gnomAD v4.1: 1 of 1,614,112 alleles (0.000062%); highest among the groups gnomAD compares: Non-Finnish European, 0.000085%; no homozygotes.

Submissions (2):

Labcorp Genetics (formerly Invitae), Labcorp
Classification: Uncertain significance for Neuroblastoma, susceptibility to, 3. Last evaluated: 2025-11-18. Review status: criteria provided, single submitter. Criteria: Invitae Variant Classification Sherloc (09022015). Collection method: clinical testing. Allele origin: germline.
Comment: This sequence change replaces glycine, which is neutral and non-polar, with aspartic acid, which is acidic and polar, at codon 1261 of the ALK protein (p.Gly1261Asp). This variant is not present in population databases (gnomAD no frequency). This variant has not been reported in the literature in individuals affected with ALK-related conditions. ClinVar contains an entry for this variant (Variation ID: 1479918). An algorithm developed to predict the effect of missense changes on protein structure and function (PolyPhen-2) suggests that this variant is likely to be disruptive. In summary, the available evidence is currently insufficient to determine the role of this variant in disease. Therefore, it has been classified as a Variant of Uncertain Significance.

Ambry Genetics
Classification: Uncertain significance for Hereditary cancer-predisposing syndrome. Last evaluated: 2024-01-14. Review status: criteria provided, single submitter. Criteria: Ambry Variant Classification Scheme 2023. Collection method: clinical testing. Allele origin: germline.
Comment: The p.G1261D variant (also known as c.3782G>A), located in coding exon 25 of the ALK gene, results from a G to A substitution at nucleotide position 3782. The glycine at codon 1261 is replaced by aspartic acid, an amino acid with similar properties. This amino acid position is conserved. In addition, this alteration is predicted to be deleterious by in silico analysis. Since supporting evidence is limited at this time, the clinical significance of this alteration remains unclear.